The following is an entry in ClinVar:

NC_000016.10:g.5071991C>T

Genes: ALG1 (ALG1 chitobiosyldiphosphodolichol beta-mannosyltransferase; plus strand), LOC130058384 (ATAC-STARR-seq lymphoblastoid active region 10349; plus strand). Cytogenetic location: 16p13.3.
Variant type: single nucleotide variant.
Genome position: GRCh38 VCF-style: chr16-5071991-C-T. GRCh37 (hg19) VCF-style: chr16-5121992-C-T.
Other names: c.142C>T (NM_019109.5).
Identifiers: ClinVar variation 471232 (VCV000471232.8), dbSNP rs1051082443, ClinGen allele CA277195845.

ClinVar aggregate classification (germline): Uncertain significance. Review status: criteria provided, multiple submitters, no conflicts (2 of 4 stars). 3 submissions from 3 submitters: Uncertain significance (3). Last evaluated 2023-03-22.

Conditions:
Inborn genetic diseases. Identifiers: MedGen C0950123, MeSH D030342.
ALG1-congenital disorder of glycosylation. Also called: CONGENITAL DISORDER OF GLYCOSYLATION, TYPE Ik; CDG Ik; ALG1-CDG. Identifiers: Orphanet 79327, MedGen C2931005, MONDO:0012052, OMIM 608540.

Allele frequency attached by ClinVar (database versions not stated): gnomAD 0.00001; TOPMed 0.00001.
gnomAD v4.1: 22 of 1,597,038 alleles (0.0014%); highest among the groups gnomAD compares: Non-Finnish European, 0.0018%; no homozygotes.

Submissions (3):

Ambry Genetics
Classification: Uncertain significance for Inborn genetic diseases. Last evaluated: 2023-03-22. Review status: criteria provided, single submitter. Criteria: Ambry Variant Classification Scheme 2023. Collection method: clinical testing. Allele origin: germline.

Labcorp Genetics (formerly Invitae), Labcorp
Classification: Uncertain significance for ALG1-congenital disorder of glycosylation. Last evaluated: 2022-07-20. Review status: criteria provided, single submitter. Criteria: Invitae Variant Classification Sherloc (09022015). Collection method: clinical testing. Allele origin: germline.
Comment: This sequence change replaces arginine, which is basic and polar, with cysteine, which is neutral and slightly polar, at codon 48 of the ALG1 protein (p.Arg48Cys). This variant is not present in population databases (gnomAD no frequency). This variant has not been reported in the literature in individuals affected with ALG1-related conditions. ClinVar contains an entry for this variant (Variation ID: 471232). Advanced modeling of protein sequence and biophysical properties (such as structural, functional, and spatial information, amino acid conservation, physicochemical variation, residue mobility, and thermodynamic stability) performed at Invitae indicates that this missense variant is expected to disrupt ALG1 protein function. In summary, the available evidence is currently insufficient to determine the role of this variant in disease. Therefore, it has been classified as a Variant of Uncertain Significance.

Fulgent Genetics
Classification: Uncertain significance for ALG1-congenital disorder of glycosylation. Last evaluated: 2022-02-04. Review status: criteria provided, single submitter. Criteria: ACMG Guidelines, 2015. Collection method: clinical testing. Allele origin: unknown.